The following is an entry in ClinVar:

NM_000081.4(LYST):c.6862C>T (p.Arg2288Ter)

Gene: LYST (lysosomal trafficking regulator; minus strand). Cytogenetic location: 1q42.3.
Variant type: single nucleotide variant.
Coding change: c.6862C>T on transcript NM_000081.4 (MANE Select); coding-DNA position 6862, C replaced by T.
Protein change: p.Arg2288Ter; replaces arginine 2288 with a stop codon.
Molecular consequence: nonsense.
Genome position (GRCh38, 1-based): chr1:235,758,991, G>A on the plus strand (C>T on the coding strand, the complement: LYST is on the minus strand). VCF-style: chr1-235758991-G-A. GRCh37 (hg19) VCF-style: chr1-235922291-G-A.
Other names: c.6862C>T, p.Arg2288Ter (NM_001301365.1); short protein forms R2288*.
Identifiers: ClinVar variation 1921718 (VCV001921718.6), dbSNP rs1667309466, ClinGen allele CA344938885.

ClinVar aggregate classification (germline): Pathogenic/Likely pathogenic. Review status: criteria provided, multiple submitters, no conflicts (2 of 4 stars). 2 submissions from 2 submitters: Pathogenic (1); Likely pathogenic (1). Last evaluated 2024-03-09.

Conditions:
Chédiak-Higashi syndrome (CHS). Also called: Chediak-Higashi Syndrome. Identifiers: Orphanet 167, MedGen C0007965, MONDO:0008963, OMIM 214500.

gnomAD v4.1: 2 of 1,613,930 alleles (0.00012%); highest among the groups gnomAD compares: Non-Finnish European, 0.00017%; no homozygotes.

Submissions (2):

Labcorp Genetics (formerly Invitae), Labcorp
Classification: Pathogenic for Chédiak-Higashi syndrome. Last evaluated: 2024-03-09. Review status: criteria provided, single submitter. Criteria: Invitae Variant Classification Sherloc (09022015). Collection method: clinical testing. Allele origin: germline.
Comment: This sequence change creates a premature translational stop signal (p.Arg2288*) in the LYST gene. It is expected to result in an absent or disrupted protein product. Loss-of-function variants in LYST are known to be pathogenic (PMID: 9215679, 11857544). This variant is not present in population databases (gnomAD no frequency). This variant has not been reported in the literature in individuals affected with LYST-related conditions. ClinVar contains an entry for this variant (Variation ID: 1921718). For these reasons, this variant has been classified as Pathogenic.

Baylor Genetics
Classification: Likely pathogenic for Chédiak-Higashi syndrome. Last evaluated: 2022-03-23. Review status: criteria provided, single submitter. Criteria: ACMG Guidelines, 2015. Collection method: clinical testing. Allele origin: unknown.

Literature cited by the submitters: PubMed 9215679 (cited by Labcorp Genetics (formerly Invitae), Labcorp); PubMed 11857544 (cited by Labcorp Genetics (formerly Invitae), Labcorp).